The following is an entry in ClinVar:

NM_175914.5(HNF4A):c.647T>C (p.Val216Ala)

Gene: HNF4A (hepatocyte nuclear factor 4 alpha; plus strand). Cytogenetic location: 20q13.12.
Variant type: single nucleotide variant.
Coding change: c.647T>C on transcript NM_175914.5 (MANE Select); coding-DNA position 647, T replaced by C.
Protein change: p.Val216Ala; replaces valine 216 with alanine.
Molecular consequence: missense variant.
Genome position (GRCh38, 1-based): chr20:44,418,489, T>C. VCF-style: chr20-44418489-T-C. GRCh37 (hg19) VCF-style: chr20-43047129-T-C.
Other names: c.638T>C, p.Val213Ala (NM_001287182.2, NM_001287183.2, NM_001287184.2); c.713T>C, p.Val238Ala (NM_000457.6, NM_178849.3, NM_178850.3); c.647T>C, p.Val216Ala (NM_001030003.3, NM_001030004.3); c.692T>C, p.Val231Ala (NM_001258355.2); short protein forms V213A, V238A, V216A, V231A.
Identifiers: ClinVar variation 4771048 (VCV004771048.1).

ClinVar aggregate classification (germline): Uncertain significance (1 of 4 stars; one submission).

gnomAD v4.1: 3 of 1,613,040 alleles (0.00019%); highest among the groups gnomAD compares: Non-Finnish European, 0.00025%; no homozygotes.

Submission:

Labcorp Genetics (formerly Invitae), Labcorp
Classification: Uncertain significance. Last evaluated: 2026-01-26. Review status: criteria provided, single submitter. Criteria: Invitae Variant Classification Sherloc (09022015). Collection method: clinical testing. Allele origin: germline.
Comment: This sequence change replaces valine, which is neutral and non-polar, with alanine, which is neutral and non-polar, at codon 216 of the HNF4A protein (p.Val216Ala). This variant is present in population databases (rs752216751, gnomAD 0.0009%). This variant has not been reported in the literature in individuals affected with HNF4A-related conditions. Invitae Evidence Modeling of protein sequence and biophysical properties (such as structural, functional, and spatial information, amino acid conservation, physicochemical variation, residue mobility, and thermodynamic stability) has been performed for this missense variant. However, the output from this modeling did not meet the statistical confidence thresholds required to predict the impact of this variant on HNF4A protein function. In summary, the available evidence is currently insufficient to determine the role of this variant in disease. Therefore, it has been classified as a Variant of Uncertain Significance.